The following is an entry in ClinVar:

NM_001267550.2(TTN):c.13592C>G (p.Ser4531Ter)

Gene: TTN (titin; minus strand). Cytogenetic location: 2q31.2.
Variant type: single nucleotide variant.
Coding change: c.13592C>G on transcript NM_001267550.2 (MANE Select); coding-DNA position 13592, C replaced by G.
Protein change: p.Ser4531Ter; replaces serine 4531 with a stop codon.
Molecular consequence: nonsense. On other transcripts: intron variant (1).
Genome position (GRCh38, 1-based): chr2:178,739,641, G>C on the plus strand (C>G on the coding strand, the complement: TTN is on the minus strand). VCF-style: chr2-178739641-G-C. GRCh37 (hg19) VCF-style: chr2-179604368-G-C.
Other names: c.12641C>G, p.Ser4214Ter (NM_001256850.1); c.12503C>G, p.Ser4168Ter (NM_003319.4); c.12878C>G, p.Ser4293Ter (NM_133432.3); c.13079C>G, p.Ser4360Ter (NM_133437.4); c.10361-1281C>G (NM_133378.4); short protein forms S4168*, S4214*, S4293*, S4360*, S4531*.
Identifiers: ClinVar variation 1065191 (VCV001065191.27), dbSNP rs2154317682, ClinGen allele CA349607261.

ClinVar aggregate classification (germline): Pathogenic. Review status: criteria provided, multiple submitters, no conflicts (2 of 4 stars). 2 submissions from 2 submitters: Pathogenic (2). Last evaluated 2022-12-31.

Conditions:
Primary dilated cardiomyopathy (DCM). Also called: Dilated Cardiomyopathy. Identifiers: Orphanet 217604, MedGen C0007193, MeSH D002311, MONDO:0005021, HP:0001644. Inheritance: Various modes of inheritance.

Submissions (2):

Center for Human Genetics, University of Leuven
Classification: Pathogenic for Primary dilated cardiomyopathy. Last evaluated: 2022-12-31. Review status: criteria provided, single submitter. Criteria: ACMG Guidelines, 2015. Collection method: clinical testing. Allele origin: germline. Affected: yes.

Loeys Lab, Universiteit Antwerpen
Classification: Pathogenic for Primary dilated cardiomyopathy. Last evaluated: 2021-02-26. Review status: criteria provided, single submitter. Criteria: ACMG Guidelines, 2015. Collection method: clinical testing. Allele origin: somatic. Affected: yes. Observed: 18 variant alleles, 18 heterozygotes.
Comment: This sequence change results in a truncating variant of the TTN gene (p.(Ser4531*))The variant is absent in population databases such as gnomAD (PM2) . The variant has not been described before. Functional studies have not been performed. However truncating and frameshift mutations in TTN are a well-known mechanism for dilated cardiomyopathy (PMID: 22335739) (PVS1). This variant was identified in a 7 unrelated patients with DCM, and co-segregated within 4 families, for the other 3 patients no data on segregation was available (PP1). In conclusion this variant was classified as pathogenic according to ACMG-guidelines (PVS1, PM2, PP1).

Literature cited by the submitters: PubMed 22335739 (cited by Loeys Lab, Universiteit Antwerpen).